The following is an entry in ClinVar:

NM_000182.5(HADHA):c.1039G>A (p.Val347Ile)

Gene: HADHA (hydroxyacyl-CoA dehydrogenase trifunctional multienzyme complex subunit alpha; minus strand). Cytogenetic location: 2p23.3.
Variant type: single nucleotide variant.
Coding change: c.1039G>A on transcript NM_000182.5 (MANE Select); coding-DNA position 1039, G replaced by A.
Protein change: p.Val347Ile; replaces valine 347 with isoleucine.
Molecular consequence: missense variant.
Genome position (GRCh38, 1-based): chr2:26,209,826, C>T on the plus strand (G>A on the coding strand, the complement: HADHA is on the minus strand). VCF-style: chr2-26209826-C-T. GRCh37 (hg19) VCF-style: chr2-26432695-C-T.
Other names: short protein forms V347I.
Identifiers: ClinVar variation 2161618 (VCV002161618.1), dbSNP rs370792678, ClinGen allele CA1559688.

ClinVar aggregate classification (germline): Uncertain significance (1 of 4 stars; one submission).

Conditions:
Long chain 3-hydroxyacyl-CoA dehydrogenase deficiency. Also called: Deficiency of long-chain 3-hydroxyacyl-coenzyme A dehydrogenase; LCHAD Deficiency. Identifiers: Orphanet 5, MedGen C3711645, MONDO:0012173, OMIM 609016.
Mitochondrial trifunctional protein deficiency. Identifiers: Orphanet 746, MedGen C1969443, MONDO:0012172.

Allele frequency attached by ClinVar (database versions not stated): TOPMed below 0.00001; ExAC 0.00001; gnomAD exomes 0.00001; gnomAD 0.00005; ESP Exome Variant Server 0.00008.
gnomAD v4.1: 18 of 1,606,136 alleles (0.0011%); highest among the groups gnomAD compares: South Asian, 0.0022%; no homozygotes.

Submission:

Labcorp Genetics (formerly Invitae), Labcorp
Classification: Uncertain significance for Mitochondrial trifunctional protein deficiency; Long chain 3-hydroxyacyl-CoA dehydrogenase deficiency. Last evaluated: 2022-10-06. Review status: criteria provided, single submitter. Criteria: Invitae Variant Classification Sherloc (09022015). Collection method: clinical testing. Allele origin: germline.
Comment: This sequence change replaces valine, which is neutral and non-polar, with isoleucine, which is neutral and non-polar, at codon 347 of the HADHA protein (p.Val347Ile). This variant is present in population databases (rs370792678, gnomAD 0.006%). This variant has not been reported in the literature in individuals affected with HADHA-related conditions. Advanced modeling of protein sequence and biophysical properties (such as structural, functional, and spatial information, amino acid conservation, physicochemical variation, residue mobility, and thermodynamic stability) performed at Invitae indicates that this missense variant is not expected to disrupt HADHA protein function. In summary, the available evidence is currently insufficient to determine the role of this variant in disease. Therefore, it has been classified as a Variant of Uncertain Significance.